The following is an entry in ClinVar:

ClinVar aggregate classification (germline): Uncertain significance. Review status: criteria provided, multiple submitters, no conflicts (2 of 4 stars). 3 submissions from 3 submitters: Uncertain significance (3). Last evaluated 2025-02-22.

Conditions:
Inborn genetic diseases. Identifiers: MedGen C0950123, MeSH D030342.
Metaphyseal chondrodysplasia, Schmid type (MCDS). Also called: SPONDYLOMETAPHYSEAL DYSPLASIA, JAPANESE TYPE. Identifiers: Orphanet 174, MedGen C0265289, MONDO:0007983, OMIM 156500.

Allele frequency attached by ClinVar (database versions not stated): TOPMed below 0.00001; gnomAD exomes 0.00001; ExAC 0.00002.
gnomAD v4.1: 11 of 1,613,760 alleles (0.00068%); highest among the groups gnomAD compares: South Asian, 0.0022%; no homozygotes.

Submissions (3):

Ambry Genetics
Classification: Uncertain significance for Inborn genetic diseases. Last evaluated: 2025-02-22. Review status: criteria provided, single submitter. Criteria: Ambry Variant Classification Scheme 2023. Collection method: clinical testing. Allele origin: germline.

Labcorp Genetics (formerly Invitae), Labcorp
Classification: Uncertain significance. Last evaluated: 2023-08-04. Review status: criteria provided, single submitter. Criteria: Invitae Variant Classification Sherloc (09022015). Collection method: clinical testing. Allele origin: germline.
Comment: Algorithms developed to predict the effect of missense changes on protein structure and function output the following: SIFT: "Not Available"; PolyPhen-2: "Not Available"; Align-GVGD: "Not Available". The glutamine amino acid residue is found in multiple mammalian species, which suggests that this missense change does not adversely affect protein function. This variant is present in population databases (rs766938257, gnomAD 0.003%). This sequence change replaces arginine, which is basic and polar, with glutamine, which is neutral and polar, at codon 24 of the COL10A1 protein (p.Arg24Gln). This variant has not been reported in the literature in individuals affected with COL10A1-related conditions. ClinVar contains an entry for this variant (Variation ID: 355114). In summary, the available evidence is currently insufficient to determine the role of this variant in disease. Therefore, it has been classified as a Variant of Uncertain Significance.

Illumina Laboratory Services, Illumina
Classification: Uncertain significance for Metaphyseal chondrodysplasia, Schmid type. Last evaluated: 2018-01-12. Review status: criteria provided, single submitter. Criteria: ICSL Variant Classification Criteria 13 December 2019. Collection method: clinical testing. Allele origin: germline.

NM_000493.4(COL10A1):c.71G>A (p.Arg24Gln)

Genes: COL10A1 (collagen type X alpha 1 chain; minus strand), NT5DC1 (5'-nucleotidase domain containing 1; plus strand). Cytogenetic location: 6q22.1.
Variant type: single nucleotide variant.
Coding change: c.71G>A on transcript NM_000493.4 (MANE Select); coding-DNA position 71, G replaced by A.
Protein change: p.Arg24Gln; replaces arginine 24 with glutamine.
Molecular consequence: missense variant. On other transcripts: intron variant (1).
Genome position (GRCh38, 1-based): chr6:116,125,422, C>T on the plus strand (G>A on the coding strand, the complement: COL10A1 is on the minus strand). VCF-style: chr6-116125422-C-T. GRCh37 (hg19) VCF-style: chr6-116446585-C-T.
Other names: c.71G>A, p.Arg24Gln (NM_001424106.1, NM_001424107.1); c.529+7477C>T (NM_152729.3); short protein forms R24Q.
Identifiers: ClinVar variation 355114 (VCV000355114.11), dbSNP rs766938257, ClinGen allele CA3968507.